The following is an entry in ClinVar:

ClinVar aggregate classification (germline): Benign/Likely benign. Review status: criteria provided, multiple submitters, no conflicts (2 of 4 stars). 3 submissions from 3 submitters: Benign (1); Likely benign (2). Last evaluated 2025-12-09.

gnomAD v4.1: 82 of 1,613,722 alleles (0.0051%); highest among the groups gnomAD compares: African/African-American, 0.1%; no homozygotes.

Submissions (3):

Labcorp Genetics (formerly Invitae), Labcorp
Classification: Benign. Last evaluated: 2025-12-09. Review status: criteria provided, single submitter. Criteria: Invitae Variant Classification Sherloc (09022015). Collection method: clinical testing. Allele origin: germline.

Mayo Clinic Laboratories, Mayo Clinic
Classification: Likely benign. Last evaluated: 2025-10-19. Review status: criteria provided, single submitter. Criteria: ACMG Guidelines, 2015. Collection method: clinical testing. Allele origin: germline. Observed: 1 variant allele.
Comment: BP4, BP7

ARUP Laboratories, Molecular Genetics and Genomics, ARUP Laboratories
Classification: Likely benign. Last evaluated: 2025-01-21. Review status: criteria provided, single submitter. Criteria: ARUP Molecular Germline Variant Investigation Process 2024. Collection method: clinical testing. Allele origin: germline.

NM_003126.4(SPTA1):c.3724C>T (p.Leu1242=)

Gene: SPTA1 (spectrin alpha, erythrocytic 1; minus strand). Cytogenetic location: 1q23.1.
Variant type: single nucleotide variant.
Coding change: c.3724C>T on transcript NM_003126.4 (MANE Select); coding-DNA position 3724, C replaced by T.
Protein change: p.Leu1242=; no amino-acid change (leucine 1242 retained).
Molecular consequence: synonymous variant.
Genome position (GRCh38, 1-based): chr1:158,647,711, G>A on the plus strand (C>T on the coding strand, the complement: SPTA1 is on the minus strand). VCF-style: chr1-158647711-G-A. GRCh37 (hg19) VCF-style: chr1-158617501-G-A.
Other names: p.Leu1242=.
Identifiers: ClinVar variation 4683620 (VCV004683620.3).